The following is an entry in ClinVar:

ClinVar aggregate classification (germline): Pathogenic. Review status: criteria provided, single submitter (1 of 4 stars). 2 submissions from 2 submitters: Pathogenic (1). 1 of the submissions does not count toward it. Last evaluated 2023-12-15.

Conditions:
Neurodevelopmental disorder with visual defects and brain anomalies. Identifiers: MedGen C5231404, MONDO:0032807, OMIM 618547.

Allele frequency attached by ClinVar (database versions not stated): gnomAD exomes below 0.00001; ExAC 0.00002.
gnomAD v4.1: 5 of 1,614,120 alleles (0.00031%); highest among the groups gnomAD compares: East Asian, 0.0022%; no homozygotes.

Submissions (2):

Labcorp Genetics (formerly Invitae), Labcorp
Classification: Pathogenic. Last evaluated: 2023-12-15. Review status: criteria provided, single submitter. Criteria: Invitae Variant Classification Sherloc (09022015). Collection method: clinical testing. Allele origin: germline.
Comment: This sequence change creates a premature translational stop signal (p.Arg331*) in the HK1 gene. It is expected to result in an absent or disrupted protein product. Loss-of-function variants in HK1 are known to be pathogenic (PMID: 11783948, 12211198, 31119733). This variant is present in population databases (rs760487849, gnomAD 0.006%). This variant has not been reported in the literature in individuals affected with HK1-related conditions. For these reasons, this variant has been classified as Pathogenic.

Zotz-Klimas Genetics Lab, MVZ Zotz Klimas
Classification: Uncertain significance for Neurodevelopmental disorder with visual defects and brain anomalies. Last evaluated: 2023-11-24. Review status: no assertion criteria provided. Collection method: clinical testing. Allele origin: germline. Affected: yes. Not counted in ClinVar's aggregate classification.

Literature cited by the submitters: PubMed 11783948 (cited by Labcorp Genetics (formerly Invitae), Labcorp); PubMed 12211198 (cited by Labcorp Genetics (formerly Invitae), Labcorp); PubMed 31119733 (cited by Labcorp Genetics (formerly Invitae), Labcorp).

NM_000188.3(HK1):c.991C>T (p.Arg331Ter)

Gene: HK1 (hexokinase 1; plus strand). Cytogenetic location: 10q22.1.
Variant type: single nucleotide variant.
Coding change: c.991C>T on transcript NM_000188.3 (MANE Select); coding-DNA position 991, C replaced by T.
Protein change: p.Arg331Ter; replaces arginine 331 with a stop codon.
Molecular consequence: nonsense.
Genome position (GRCh38, 1-based): chr10:69,377,049, C>T. VCF-style: chr10-69377049-C-T. GRCh37 (hg19) VCF-style: chr10-71136805-C-T.
Other names: c.1003C>T, p.Arg335Ter (NM_001322364.2, NM_001358263.1, NM_033497.3 and 1 more transcripts); c.1096C>T, p.Arg366Ter (NM_001322365.2); c.907C>T, p.Arg303Ter (NM_001322366.1); c.895C>T, p.Arg299Ter (NM_001322367.1); c.988C>T, p.Arg330Ter (NM_033496.3); c.955C>T, p.Arg319Ter (NM_033500.2); short protein forms R299*, R303*, R319*, R330*, R331*, R335*, R366*.
Identifiers: ClinVar variation 2664015 (VCV002664015.4), dbSNP rs760487849, ClinGen allele CA5532468.